The following is an entry in ClinVar:

ClinVar aggregate classification (germline): Uncertain significance. Review status: criteria provided, multiple submitters, no conflicts (2 of 4 stars). 2 submissions from 2 submitters: Uncertain significance (2). Last evaluated 2026-03-18.

Conditions:
Rhabdoid tumor predisposition syndrome 2 (RTPS2). Identifiers: Orphanet 231108, Orphanet 69077, MedGen C2750074, MONDO:0013224, OMIM 613325.

Submissions (2):

GeneDx
Classification: Uncertain significance. Last evaluated: 2026-03-18. Review status: criteria provided, single submitter. Criteria: GeneDx Variant Classification Process June 2021. Collection method: clinical testing. Allele origin: germline.
Comment: Not observed at significant frequency in large population cohorts (gnomAD); In-frame deletion of 1 amino acid in a non-repeat region; In silico analysis supports a deleterious effect on protein structure/function; Has not been previously published as pathogenic or benign to our knowledge

Labcorp Genetics (formerly Invitae), Labcorp
Classification: Uncertain significance for Rhabdoid tumor predisposition syndrome 2. Last evaluated: 2026-01-19. Review status: criteria provided, single submitter. Criteria: Invitae Variant Classification Sherloc (09022015). Collection method: clinical testing. Allele origin: germline.
Comment: This variant, c.5034_5036del, results in the deletion of 1 amino acid(s) of the SMARCA4 protein (p.Glu1678del), but otherwise preserves the integrity of the reading frame. This variant is not present in population databases (gnomAD no frequency). This variant has not been reported in the literature in individuals affected with SMARCA4-related conditions. ClinVar contains an entry for this variant (Variation ID: 1053530). Experimental studies and prediction algorithms are not available or were not evaluated, and the functional significance of this variant is currently unknown. Algorithms developed to predict the effect of sequence changes on RNA splicing suggest that this variant may disrupt the consensus splice site. In summary, the available evidence is currently insufficient to determine the role of this variant in disease. Therefore, it has been classified as a Variant of Uncertain Significance.

NM_003072.5(SMARCA4):c.4935AGA[1] (p.Glu1646del)

Gene: SMARCA4 (SWI/SNF related BAF chromatin remodeling complex subunit ATPase 4; plus strand). Cytogenetic location: 19p13.2.
Variant type: Microsatellite.
Coding change: c.4935AGA[1] on transcript NM_003072.5 (MANE Select); one copy of the 3-base unit AGA starting at c.4935; the reference has two copies in a row; one copy, 3 bases deleted.
Protein change: p.Glu1646del; deletes glutamic acid 1646.
Molecular consequence: inframe deletion. On other transcripts: non-coding transcript variant (1).
Genome position (GRCh38, 1-based): chr19:11,061,810-11,061,812, AGA deleted; deleting any 3 consecutive bases within chr19:11,061,805-11,061,812 gives the same sequence; the position shown is the placement nearest the transcript's 3' end. VCF-style (leftmost placement, unchanged base first): chr19-11061804-CGAA-C. GRCh37 (hg19) VCF-style: chr19-11172480-CGAA-C.
Other names: c.5034_5036del (NM_001128849.1); c.4935AGA[1], p.Glu1646del (NM_001128844.3); c.4845AGA[1], p.Glu1616del (NM_001128845.2); c.4842AGA[1], p.Glu1615del (NM_001128846.2); c.4836AGA[1], p.Glu1613del (NM_001128847.4, NM_001374457.1); c.4833AGA[1], p.Glu1612del (NM_001128848.2); c.5031AGA[1], p.Glu1678del (NM_001128849.3, NM_001387283.1); short protein forms E1612del, E1613del, E1615del, E1616del, E1646del, E1678del.
Identifiers: ClinVar variation 1053530 (VCV001053530.11), dbSNP rs2076918196, ClinGen allele CA2322745807.